The following is an entry in ClinVar:

NM_014362.4(HIBCH):c.743A>G (p.His248Arg)

Gene: HIBCH (3-hydroxyisobutyryl-CoA hydrolase; minus strand). Cytogenetic location: 2q32.2.
Variant type: single nucleotide variant.
Coding change: c.743A>G on transcript NM_014362.4 (MANE Select); coding-DNA position 743, A replaced by G.
Protein change: p.His248Arg; replaces histidine 248 with arginine.
Molecular consequence: missense variant.
Genome position (GRCh38, 1-based): chr2:190,249,647, T>C on the plus strand (A>G on the coding strand, the complement: HIBCH is on the minus strand). VCF-style: chr2-190249647-T-C. GRCh37 (hg19) VCF-style: chr2-191114373-T-C.
Other names: c.743A>G, p.His248Arg (NM_198047.3); short protein forms H248R.
Identifiers: ClinVar variation 520646 (VCV000520646.5), dbSNP rs761024923, ClinGen allele CA2027527.
Genomic context (GRCh38, chr2:190,249,647, plus strand): 5'-CACTTCCCCTCCCCATGAATTAAAACCTGAGGTTAGAATATTAACAAGATTACCTCTGTA[T>C]GGTAATTTTCTAAGACAGATGCAATATTTTCTTTTGAAGGAGATTTCAAGGCTAACAAAT-3'
Protein context (NP_055177.2, residues 238-258): ENIASVLENY[His248Arg]TESKIDRDKS

ClinVar aggregate classification (germline): Likely pathogenic (1 of 4 stars; one submission).

Conditions:
Inborn genetic diseases. Identifiers: MedGen C0950123, MeSH D030342.

Allele frequency attached by ClinVar (database versions not stated): ExAC 0.00001; gnomAD 0.00001; TOPMed 0.00002; gnomAD exomes 0.00002 and 0.00001.

Submission:

Ambry Genetics
Classification: Likely pathogenic for Inborn genetic diseases. Last evaluated: 2026-05-07. Review status: criteria provided, single submitter. Criteria: Ambry Variant Classification Scheme 2023. Collection method: clinical testing. Allele origin: germline.
Comment: The c.743A>G (p.H248R) alteration is located in exon 9 (coding exon 9) of the HIBCH gene. This alteration results from an A to G substitution at nucleotide position 743, causing the histidine (H) at amino acid position 248 to be replaced by an arginine (R). Based on data from gnomAD, the G allele has an overall frequency of 0.001% (2/250038) total alleles studied. The highest observed frequency was 0.006% (1/16080) of African alleles. This variant has been identified in conjunction with other HIBCH variant(s) in individual(s) with features consistent with 3-hydroxyisobutryl-CoA hydrolase deficiency; in at least one instance, the variants were identified in trans (Wang, 2021). This amino acid position is well conserved in available vertebrate species. The in silico prediction for this alteration is inconclusive. Based on the available evidence, this alteration is classified as likely pathogenic.

Literature cited by the submitters: PubMed 33762937.